The following is an entry in ClinVar:

NM_001277115.2(DNAH11):c.6468+2T>G

Gene: DNAH11 (dynein axonemal heavy chain 11; plus strand). Cytogenetic location: 7p15.3.
Variant type: single nucleotide variant.
Coding change: c.6468+2T>G on transcript NM_001277115.2 (MANE Select); the canonical splice donor site of the intron after coding-DNA position 6468, T replaced by G.
Molecular consequence: splice donor variant.
Genome position (GRCh38, 1-based): chr7:21,704,630, T>G. VCF-style: chr7-21704630-T-G. GRCh37 (hg19) VCF-style: chr7-21744248-T-G.
Identifiers: ClinVar variation 2700097 (VCV002700097.3), dbSNP rs1435811495, ClinGen allele CA366937547.

ClinVar aggregate classification (germline): Likely pathogenic (1 of 4 stars; one submission).

Conditions:
Primary ciliary dyskinesia. Also called: Ciliary dyskinesia. Identifiers: Orphanet 244, MedGen C0008780, MONDO:0016575, HP:0012265.

Allele frequency attached by ClinVar (database versions not stated): TOPMed below 0.00001; gnomAD 0.00001.
gnomAD v4.1: 1 of 1,586,908 alleles (0.000063%); highest among the groups gnomAD compares: Admixed American, 0.002%; no homozygotes.

Submission:

Labcorp Genetics (formerly Invitae), Labcorp
Classification: Likely pathogenic for Primary ciliary dyskinesia. Last evaluated: 2023-12-01. Review status: criteria provided, single submitter. Criteria: Invitae Variant Classification Sherloc (09022015). Collection method: clinical testing. Allele origin: germline.
Comment: This sequence change affects a donor splice site in intron 38 of the DNAH11 gene. It is expected to disrupt RNA splicing. Variants that disrupt the donor or acceptor splice site typically lead to a loss of protein function (PMID: 16199547), and loss-of-function variants in DNAH11 are known to be pathogenic (PMID: 18022865, 20513915, 22184204). This variant is not present in population databases (gnomAD no frequency). This variant has not been reported in the literature in individuals affected with DNAH11-related conditions. Algorithms developed to predict the effect of sequence changes on RNA splicing suggest that this variant may disrupt the consensus splice site. In summary, the currently available evidence indicates that the variant is pathogenic, but additional data are needed to prove that conclusively. Therefore, this variant has been classified as Likely Pathogenic.

Literature cited by the submitters: PubMed 16199547; PubMed 18022865; PubMed 20513915; PubMed 22184204.